The following is an entry in ClinVar:

NM_021224.6(ZNF462):c.6585C>G (p.Phe2195Leu)

Gene: ZNF462 (zinc finger protein 462; plus strand). Cytogenetic location: 9q31.2.
Variant type: single nucleotide variant.
Coding change: c.6585C>G on transcript NM_021224.6 (MANE Select); coding-DNA position 6585, C replaced by G.
Protein change: p.Phe2195Leu; replaces phenylalanine 2195 with leucine.
Molecular consequence: missense variant.
Genome position (GRCh38, 1-based): chr9:106,972,162, C>G. VCF-style: chr9-106972162-C-G. GRCh37 (hg19) VCF-style: chr9-109734443-C-G.
Other names: c.3990C>G, p.Phe1330Leu (NM_001347997.2); short protein forms F1330L, F2195L.
Identifiers: ClinVar variation 3369834 (VCV003369834.1).

ClinVar aggregate classification (germline): Uncertain significance (1 of 4 stars; one submission).

Submission:

GeneDx
Classification: Uncertain significance. Last evaluated: 2024-02-29. Review status: criteria provided, single submitter. Criteria: GeneDx Variant Classification Process June 2021. Collection method: clinical testing. Allele origin: germline. Affected: yes.
Comment: Not observed at significant frequency in large population cohorts (gnomAD); In silico analysis supports that this missense variant has a deleterious effect on protein structure/function; Has not been previously published as pathogenic or benign to our knowledge